The following is an entry in ClinVar:

NM_001267550.2(TTN):c.5912C>G (p.Thr1971Ser)

Gene: TTN (titin; minus strand). Cytogenetic location: 2q31.2.
Variant type: single nucleotide variant.
Coding change: c.5912C>G on transcript NM_001267550.2 (MANE Select); coding-DNA position 5912, C replaced by G.
Protein change: p.Thr1971Ser; replaces threonine 1971 with serine.
Molecular consequence: missense variant.
Genome position (GRCh38, 1-based): chr2:178,775,952, G>C on the plus strand (C>G on the coding strand, the complement: TTN is on the minus strand). VCF-style: chr2-178775952-G-C. GRCh37 (hg19) VCF-style: chr2-179640679-G-C.
Other names: c.5912C>G, p.Thr1971Ser (NM_001256850.1, NM_133378.4, NM_133379.5); c.5774C>G, p.Thr1925Ser (NM_003319.4, NM_133432.3, NM_133437.4); short protein forms T1971S, T1925S.
Identifiers: ClinVar variation 535064 (VCV000535064.4), dbSNP rs778898929, ClinGen allele CA60977464.

ClinVar aggregate classification (germline): Uncertain significance. Review status: criteria provided, multiple submitters, no conflicts (2 of 4 stars). 2 submissions from 2 submitters: Uncertain significance (2). Last evaluated 2025-07-24.

Conditions:
Dilated cardiomyopathy 1G (CMD1G). Identifiers: Orphanet 154, MedGen C1858763, MONDO:0011400, OMIM 604145.
Autosomal recessive limb-girdle muscular dystrophy type 2J (LGMDR10). Also called: MUSCULAR DYSTROPHY, LIMB-GIRDLE, AUTOSOMAL RECESSIVE 10; Limb-girdle muscular dystrophy, type 2J. Identifiers: Orphanet 140922, MedGen C1837342, MONDO:0012127, OMIM 608807.
TTN-related disorder. Also called: TTN-related condition; TTN-related disease; TTN-related disorders.

Allele frequency attached by ClinVar (database versions not stated): gnomAD exomes below 0.00001 and 0.00002; TOPMed 0.00001; gnomAD 0.00003.
gnomAD v4.1: 28 of 1,614,002 alleles (0.0017%); highest among the groups gnomAD compares: Non-Finnish European, 0.0023%; no homozygotes.

Submissions (2):

PreventionGenetics, part of Exact Sciences
Classification: Uncertain significance for TTN-related condition. Last evaluated: 2025-07-24. Review status: criteria provided, single submitter. Criteria: ACMG Guidelines, 2015. Collection method: clinical testing. Allele origin: germline.
Comment: The TTN c.5912C>G variant is predicted to result in the amino acid substitution p.Thr1971Ser. To our knowledge, this variant has not been reported in the literature. This variant is reported in 0.0016% of alleles in individuals of European (Non-Finnish) descent in gnomAD. At this time, the clinical significance of this variant is uncertain due to the absence of conclusive functional and genetic evidence.

Labcorp Genetics (formerly Invitae), Labcorp
Classification: Uncertain significance for Dilated cardiomyopathy 1G; Autosomal recessive limb-girdle muscular dystrophy type 2J. Last evaluated: 2017-11-06. Review status: criteria provided, single submitter. Criteria: Invitae Variant Classification Sherloc (09022015). Collection method: clinical testing. Allele origin: germline.